The following is an entry in ClinVar:

NM_003051.4(SLC16A1):c.1228+4T>C

Gene: SLC16A1 (solute carrier family 16 member 1; minus strand). Cytogenetic location: 1p13.2.
Variant type: single nucleotide variant.
Coding change: c.1228+4T>C on transcript NM_003051.4 (MANE Select); 4 bases into the intron after coding-DNA position 1228, T replaced by C.
Molecular consequence: intron variant.
Genome position (GRCh38, 1-based): chr1:112,917,174, A>G on the plus strand (T>C on the coding strand, the complement: SLC16A1 is on the minus strand). VCF-style: chr1-112917174-A-G. GRCh37 (hg19) VCF-style: chr1-113459796-A-G.
Other names: c.1228+4T>C (NM_001166496.2).
Identifiers: ClinVar variation 1935043 (VCV001935043.5), dbSNP rs941306130, ClinGen allele CA29390940.

ClinVar aggregate classification (germline): Uncertain significance (1 of 4 stars; one submission).

Allele frequency attached by ClinVar (database versions not stated): gnomAD exomes below 0.00001; TOPMed below 0.00001.
gnomAD v4.1: 5 of 1,614,152 alleles (0.00031%); highest among the groups gnomAD compares: Non-Finnish European, 0.00042%; no homozygotes.

Submission:

Labcorp Genetics (formerly Invitae), Labcorp
Classification: Uncertain significance. Last evaluated: 2025-10-02. Review status: criteria provided, single submitter. Criteria: Invitae Variant Classification Sherloc (09022015). Collection method: clinical testing. Allele origin: germline.
Comment: This sequence change falls in intron 4 of the SLC16A1 gene. It does not directly change the encoded amino acid sequence of the SLC16A1 protein. It affects a nucleotide within the consensus splice site. This variant is present in population databases (no rsID available, gnomAD 0.0009%). This variant has not been reported in the literature in individuals affected with SLC16A1-related conditions. ClinVar contains an entry for this variant (Variation ID: 1935043). Variants that disrupt the consensus splice site are a relatively common cause of aberrant splicing (PMID: 17576681, 9536098). Algorithms developed to predict the effect of sequence changes on RNA splicing suggest that this variant is not likely to affect RNA splicing. In summary, the available evidence is currently insufficient to determine the role of this variant in disease. Therefore, it has been classified as a Variant of Uncertain Significance.

Literature cited by the submitters: PubMed 17576681; PubMed 9536098.